The following is an entry in ClinVar:

ClinVar aggregate classification (germline): Uncertain significance (1 of 4 stars; one submission).

Conditions:
COL4A6-related disorder. Also called: COL4A6-related condition.

Submission:

PreventionGenetics, part of Exact Sciences
Classification: Uncertain significance for COL4A6-related condition. Last evaluated: 2024-10-31. Review status: criteria provided, single submitter. Criteria: ACMG Guidelines, 2015. Collection method: clinical testing. Allele origin: germline.
Comment: The COL4A6 c.510G>T variant is predicted to result in the amino acid substitution p.Met170Ile. To our knowledge, this variant has not been reported in the literature or in a large population database (gnomAD), indicating this variant is rare. At this time, the clinical significance of this variant is uncertain due to the absence of conclusive functional and genetic evidence.

NM_033641.4(COL4A6):c.507G>T (p.Met169Ile)

Gene: COL4A6 (collagen type IV alpha 6 chain; minus strand). Cytogenetic location: Xq22.3.
Variant type: single nucleotide variant.
Coding change: c.507G>T on transcript NM_033641.4 (MANE Select); coding-DNA position 507, G replaced by T.
Protein change: p.Met169Ile; replaces methionine 169 with isoleucine.
Molecular consequence: missense variant.
Genome position (GRCh38, 1-based): chrX:108,211,675, C>A on the plus strand (G>T on the coding strand, the complement: COL4A6 is on the minus strand). VCF-style: chrX-108211675-C-A. GRCh37 (hg19) VCF-style: chrX-107454905-C-A.
Other names: c.507G>T, p.Met169Ile (NM_001287758.2, NM_001287759.2, NM_001287760.2 and 1 more transcripts); c.510G>T, p.Met170Ile (NM_001440759.1, NM_001847.4); short protein forms M170I, M169I.
Identifiers: ClinVar variation 4986322 (VCV004986322.1).